The following is an entry in ClinVar:

NM_138713.4(NFAT5):c.1798T>A (p.Leu600Ile)

Gene: NFAT5 (nuclear factor of activated T cells 5; plus strand). Cytogenetic location: 16q22.1.
Variant type: single nucleotide variant.
Coding change: c.1798T>A on transcript NM_138713.4 (MANE Select); coding-DNA position 1798, T replaced by A.
Protein change: p.Leu600Ile; replaces leucine 600 with isoleucine.
Molecular consequence: missense variant.
Genome position (GRCh38, 1-based): chr16:69,690,963, T>A. VCF-style: chr16-69690963-T-A. GRCh37 (hg19) VCF-style: chr16-69724866-T-A.
Other names: c.1795T>A, p.Leu599Ile (NM_001113178.3); c.1123T>A, p.Leu375Ile (NM_001367709.1); c.1744T>A, p.Leu582Ile (NM_006599.4); c.1516T>A, p.Leu506Ile (NM_138714.4, NM_173214.3, NM_173215.3); short protein forms L375I, L599I, L600I, L582I, L506I.
Identifiers: ClinVar variation 2851319 (VCV002851319.3), dbSNP rs2544221181, ClinGen allele CA396503819.
Genomic context (GRCh38, chr16:69,690,963, plus strand): 5'-ATTTTAAACTTTTCTTTTTGTGTGTGTGTATATGCAGCAATGAAAACTACTGGATGTAAT[T>A]TAGATAAGGTAAATATTATCCCTAATGCCCTGATGACTCCACTCATACCAAGCAGTATGA-3'
Protein context (NP_619727.2, residues 590-610): MKAMKTTGCN[Leu600Ile]DKVNIIPNAL

ClinVar aggregate classification (germline): Uncertain significance (1 of 4 stars; one submission).

Conditions:
Immunodeficiency. Identifiers: MedGen C0021051, MONDO:0021094, HP:0002721.

Submission:

Labcorp Genetics (formerly Invitae), Labcorp
Classification: Uncertain significance for Immunodeficiency. Last evaluated: 2023-03-31. Review status: criteria provided, single submitter. Criteria: Invitae Variant Classification Sherloc (09022015). Collection method: clinical testing. Allele origin: germline.
Comment: In summary, the available evidence is currently insufficient to determine the role of this variant in disease. Therefore, it has been classified as a Variant of Uncertain Significance. An algorithm developed to predict the effect of missense changes on protein structure and function (PolyPhen-2) suggests that this variant is likely to be tolerated. This variant has not been reported in the literature in individuals affected with NFAT5-related conditions. This variant is not present in population databases (gnomAD no frequency). This sequence change replaces leucine, which is neutral and non-polar, with isoleucine, which is neutral and non-polar, at codon 506 of the NFAT5 protein (p.Leu506Ile).